The following is an entry in ClinVar:

NM_206933.4(USH2A):c.13217T>C (p.Leu4406Pro)

Gene: USH2A (usherin; minus strand). Cytogenetic location: 1q41.
Variant type: single nucleotide variant.
Coding change: c.13217T>C on transcript NM_206933.4 (MANE Select); coding-DNA position 13217, T replaced by C.
Protein change: p.Leu4406Pro; replaces leucine 4406 with proline.
Molecular consequence: missense variant.
Genome position (GRCh38, 1-based): chr1:215,674,694, A>G on the plus strand (T>C on the coding strand, the complement: USH2A is on the minus strand). VCF-style: chr1-215674694-A-G. GRCh37 (hg19) VCF-style: chr1-215848036-A-G.
Other names: c.13217T>C (NM_206933.3); short protein forms L4406P.
Identifiers: ClinVar variation 556334 (VCV000556334.31), dbSNP rs745693690, ClinGen allele CA1393328.

ClinVar aggregate classification (germline): Uncertain significance. Review status: reviewed by expert panel (3 of 4 stars). 11 submissions from 11 submitters: Uncertain significance (1). 10 of the submissions do not count toward it. Last evaluated 2024-11-20.

Conditions:
Usher syndrome type 2A. Also called: USHER SYNDROME, TYPE IIA; RETINAL DISEASE IN USHER SYNDROME TYPE IIA, MODIFIER OF. Identifiers: Orphanet 231178, Orphanet 886, MedGen C1848634, MONDO:0010169, OMIM 276901.
Retinitis pigmentosa 39 (RP39). Identifiers: Orphanet 791, MedGen C3151138, MONDO:0013436, OMIM 613809.
Usher syndrome. Also called: Usher Syndromes; Usher's syndrome. Identifiers: Orphanet 886, MedGen CN469326, MeSH D052245, MONDO:0019501. Disease mechanism: loss of function.
USH2A-related disorder. Also called: USH2A-related disorders; USH2A-related condition. Identifiers: MedGen CN239332.

Allele frequency attached by ClinVar (database versions not stated): gnomAD exomes below 0.00001 and 0.00001; ExAC 0.00002; TOPMed 0.00006; gnomAD 0.00007 and 0.00009.
gnomAD v4.1: 19 of 1,614,034 alleles (0.0012%); highest among the groups gnomAD compares: African/African-American, 0.02%; no homozygotes.

Submissions (11):

ClinGen Hearing Loss Variant Curation Expert Panel
Classification: Uncertain significance for Usher syndrome. Last evaluated: 2024-11-20. Review status: reviewed by expert panel. Criteria: Clingen Hl Acmg Specifications Cdh23 Coch Gjb2 Kcnq4 Myo6 Myo7a Slc26a4 Tecta Ush2a V2. Collection method: curation. Allele origin: germline. Inheritance: Autosomal recessive inheritance.
Comment: The c.13217T>C variant in USH2A is a missense variant predicted to cause substitution of leucine by proline at amino acid 4406 (p.Leu4406Pro). The highest population minor allele frequency in gnomAD v4.1.0 is 0.02% (15/74934) in the African / African American population (PM2_supporting, BS1, and BA1 not met). The computational predictor REVEL gives a score of 0.338, which is neither above nor below the thresholds predicting a damaging or benign impact on USH2A function. This variant has been identified in one individual with Usher syndrome who was compound heterozygous with a pathogenic variant phase unknown (PP4, 0.5 point PM3; PMID: 36011402). This individual also had a third variant that was reviewed by the Hearing Loss VCEP and was determined to be likely benign. This variant was also identified in an individual with retinitis pigmentosa who was compound heterozygous with a pathogenic variant, though phase was unknown (0.5 point PM3, PMID: 37217489). The variant was also reported in other individuals with Usher syndrome; however, these individuals were not awarded any evidence as zygosity / phasing was unknown, the second variant was likely benign, or the individual had a possible alternate explanation for disease (PMID: 26927203, 24944099, 36011402). In summary, this variant has been classified as a variant of uncertain significance for autosomal recessive Usher syndrome based on the ACMG/AMP criteria applied, as specified by the ClinGen Hearing Loss VCEP: PM3, PP4 (ClinGen Hearing Loss VCEP specifications version 2; 11.20.2024).

PreventionGenetics, part of Exact Sciences
Classification: Likely pathogenic for USH2A-related condition. Last evaluated: 2025-12-31. Review status: criteria provided, single submitter. Criteria: ACMG Guidelines, 2015. Collection method: clinical testing. Allele origin: germline. Not counted in ClinVar's aggregate classification.
Comment: The USH2A c.13217T>C variant is predicted to result in the amino acid substitution p.Leu4406Pro. This variant has been reported in individuals with Usher Syndrome and USH2A-related conditions (Griffith et al. 2022. PubMed ID: 36011402; Schlottmann et al. 2023. PubMed ID: 37217489; Internal Data, PreventionGenetics). Of note, this variant has been reported in some individuals with USH2A-related conditions where zygosity and additional variant information was not provided, or the second USH2A variant is considered likely benign (Baux et al. 2014. PubMed ID: 24944099; Pierrache et al. 2016. PubMed ID: 26927203). This variant is reported in 0.020% of alleles in individuals of African descent in gnomAD. This variant is interpreted as likely pathogenic.

Labcorp Genetics (formerly Invitae), Labcorp
Classification: Pathogenic. Last evaluated: 2025-12-26. Review status: criteria provided, single submitter. Criteria: Invitae Variant Classification Sherloc (09022015). Collection method: clinical testing. Allele origin: germline. Not counted in ClinVar's aggregate classification.
Comment: This sequence change replaces leucine, which is neutral and non-polar, with proline, which is neutral and non-polar, at codon 4406 of the USH2A protein (p.Leu4406Pro). This variant is present in population databases (rs745693690, gnomAD 0.02%). This missense change has been observed in individual(s) with Usher syndrome (PMID: 24944099, 26927203; internal data). In at least one individual the data is consistent with being in trans (on the opposite chromosome) from a pathogenic variant. ClinVar contains an entry for this variant (Variation ID: 556334). Invitae Evidence Modeling of protein sequence and biophysical properties (such as structural, functional, and spatial information, amino acid conservation, physicochemical variation, residue mobility, and thermodynamic stability) indicates that this missense variant is not expected to disrupt USH2A protein function with a negative predictive value of 95%. For these reasons, this variant has been classified as Pathogenic.

Natera, Inc.
Classification: Likely pathogenic for Usher syndrome type 2A. Last evaluated: 2025-10-06. Review status: criteria provided, single submitter. Criteria: Natera Variant Classification Schema (03/2026). Collection method: clinical testing. Allele origin: germline. Not counted in ClinVar's aggregate classification.
Comment: The c.13217T>C variant in USH2A is a missense variant predicted to cause substitution of leucine to proline at amino acid 4406. This variant is rare in the general population with a frequency below the threshold expected for the associated phenotype(s). This variant has been observed in one or more individuals affected with the associated recessive disease, as either homozygous or compound heterozygous with a second variant (PMID: 39498320, 37217489). Given the available evidence, this variant is classified as Likely Pathogenic.

Women's Health and Genetics/Laboratory Corporation of America, LabCorp
Classification: Likely pathogenic for Usher syndrome. Last evaluated: 2025-06-06. Review status: criteria provided, single submitter. Criteria: LabCorp Variant Classification Summary - May 2015. Collection method: clinical testing. Allele origin: germline. Not counted in ClinVar's aggregate classification.
Comment: Variant summary: USH2A c.13217T>C (p.Leu4406Pro) results in a non-conservative amino acid change located in the Fibronectin type III domain (IPR003961) of the encoded protein sequence. Algorithms developed to predict the effect of missense changes on protein structure and function are either unavailable or do not agree on the potential impact of this missense change. The variant allele was found at a frequency of 8e-06 in 250910 control chromosomes. c.13217T>C has been observed in individual(s) affected with Usher Syndrome or Retinitis Pigmentosa (Baux_2014, Pierrache_2016, internal data). These data indicate that the variant is likely to be associated with disease. To our knowledge, no experimental evidence demonstrating an impact on protein function has been reported. The following publications have been ascertained in the context of this evaluation (PMID: 24944099, 26927203). ClinVar contains an entry for this variant (Variation ID: 556334). Based on the evidence outlined above, the variant was classified as likely pathogenic.

GeneDx
Classification: Uncertain significance. Last evaluated: 2024-10-01. Review status: criteria provided, single submitter. Criteria: GeneDx Variant Classification Process June 2021. Collection method: clinical testing. Allele origin: germline. Affected: yes. Not counted in ClinVar's aggregate classification.
Comment: In silico analysis indicates that this missense variant does not alter protein structure/function; This variant is associated with the following publications: (PMID: 24944099, 37217489, 36011402)

Laboratory of Human Genetics, Universidade de São Paulo
Classification: Uncertain significance for Usher syndrome. Last evaluated: 2024-05-01. Review status: criteria provided, single submitter. Criteria: ClinGen HL ACMG Specifications v1. Collection method: research. Allele origin: unknown. Affected: yes. Observed: 1 variant allele. Not counted in ClinVar's aggregate classification.
Comment: The USH2A:NM_206933.2:c.13217T>C has extremely low frequency in gnomAD population databases, it is associated with a recessive disorder, detected in trans with a pathogenic variant, in affected cases (PM3).

Mendelics
Classification: Uncertain significance for Usher syndrome type 2A. Last evaluated: 2023-04-21. Review status: criteria provided, single submitter. Criteria: Mendelics Assertion Criteria 2017. Collection method: clinical testing. Allele origin: unknown. Not counted in ClinVar's aggregate classification.

Blueprint Genetics
Classification: Pathogenic for USH2A-related disorders. Last evaluated: 2022-10-24. Review status: criteria provided, single submitter. Criteria: ACMG Guidelines, 2015. Collection method: clinical testing. Allele origin: germline. Affected: yes. Observed: 5 variant alleles. Not counted in ClinVar's aggregate classification.

Ocular Genomics Institute, Massachusetts Eye and Ear
Classification: Uncertain significance for Retinitis pigmentosa 39. Last evaluated: 2021-04-08. Review status: criteria provided, single submitter. Criteria: ACMG Guidelines, 2015. Collection method: research. Allele origin: germline. Affected: yes. Not counted in ClinVar's aggregate classification.
Comment: Through a review of available evidence we were able to apply the following criteria: PM2. Based on this evidence we have classified this variant as Variant of Uncertain Significance.

Counsyl
Classification: Uncertain significance for Usher syndrome type 2A; Retinitis pigmentosa 39. Last evaluated: 2018-01-24. Review status: no assertion criteria provided. Collection method: clinical testing. Allele origin: unknown. Not counted in ClinVar's aggregate classification.

Literature cited by the submitters: PubMed 24944099 (cited by 4 submitters); PubMed 26927203 (cited by Labcorp Genetics (formerly Invitae), Labcorp and Women's Health and Genetics/Laboratory Corporation of America, LabCorp); PubMed 39498320 (cited by Natera, Inc.); PubMed 37217489 (cited by Natera, Inc.).